The following is an entry in ClinVar:

ClinVar aggregate classification (germline): Uncertain significance (1 of 4 stars; one submission).

Conditions:
Hereditary sensory and autonomic neuropathy type 7. Also called: Neuropathy, hereditary sensory and autonomic, type VII; HSAN VII. Identifiers: Orphanet 391397, MedGen C3809882, MONDO:0014244, OMIM 615548.
Familial episodic pain syndrome with predominantly lower limb involvement. Also called: Episodic pain syndrome, familial, 3. Identifiers: Orphanet 391384, Orphanet 391392, MedGen C3809899, MONDO:0014247, OMIM 615552.

Allele frequency attached by ClinVar (database versions not stated): ExAC 0.00001; gnomAD 0.00001.
gnomAD v4.1: 15 of 1,581,744 alleles (0.00095%); highest among the groups gnomAD compares: Non-Finnish European, 0.0012%; no homozygotes.

Submission:

Labcorp Genetics (formerly Invitae), Labcorp
Classification: Uncertain significance for Familial episodic pain syndrome with predominantly lower limb involvement; Hereditary sensory and autonomic neuropathy type 7. Last evaluated: 2025-10-07. Review status: criteria provided, single submitter. Criteria: Invitae Variant Classification Sherloc (09022015). Collection method: clinical testing. Allele origin: germline.
Comment: This sequence change replaces glycine, which is neutral and non-polar, with serine, which is neutral and polar, at codon 1022 of the SCN11A protein (p.Gly1022Ser). This variant also falls at the last nucleotide of exon 17, which is part of the consensus splice site for this exon. This variant is present in population databases (rs144070491, gnomAD 0.0009%). This variant has not been reported in the literature in individuals affected with SCN11A-related conditions. ClinVar contains an entry for this variant (Variation ID: 1947590). An algorithm developed to predict the effect of missense changes on protein structure and function (PolyPhen-2) suggests that this variant is likely to be disruptive. Variants that disrupt the consensus splice site are a relatively common cause of aberrant splicing (PMID: 17576681, 9536098). Algorithms developed to predict the effect of sequence changes on RNA splicing suggest that this variant may disrupt the consensus splice site. In summary, the available evidence is currently insufficient to determine the role of this variant in disease. Therefore, it has been classified as a Variant of Uncertain Significance.

Literature cited by the submitters: PubMed 17576681; PubMed 9536098.

NM_001349253.2(SCN11A):c.3064G>A (p.Gly1022Ser)

Gene: SCN11A (sodium voltage-gated channel alpha subunit 11; minus strand). Cytogenetic location: 3p22.2.
Variant type: single nucleotide variant.
Coding change: c.3064G>A on transcript NM_001349253.2 (MANE Select); coding-DNA position 3064, G replaced by A.
Protein change: p.Gly1022Ser; replaces glycine 1022 with serine.
Molecular consequence: missense variant.
Genome position (GRCh38, 1-based): chr3:38,885,288, C>T on the plus strand (G>A on the coding strand, the complement: SCN11A is on the minus strand). VCF-style: chr3-38885288-C-T. GRCh37 (hg19) VCF-style: chr3-38926779-C-T.
Other names: c.3064G>A, p.Gly1022Ser (NM_014139.3); short protein forms G1022S.
Identifiers: ClinVar variation 1947590 (VCV001947590.5), dbSNP rs144070491, ClinGen allele CA2321889.